The following is an entry in ClinVar:

NM_001375524.1(TRRAP):c.7644T>C (p.His2548=)

Gene: TRRAP (transformation/transcription domain associated protein; plus strand). Cytogenetic location: 7q22.1.
Variant type: single nucleotide variant.
Coding change: c.7644T>C on transcript NM_001375524.1 (MANE Select); coding-DNA position 7644, T replaced by C.
Protein change: p.His2548=; no amino-acid change (histidine 2548 retained).
Molecular consequence: synonymous variant.
Genome position (GRCh38, 1-based): chr7:98,970,243, T>C. VCF-style: chr7-98970243-T-C. GRCh37 (hg19) VCF-style: chr7-98567866-T-C.
Other names: c.7623T>C, p.His2541= (NM_001244580.2); c.7569T>C, p.His2523= (NM_003496.4).
Identifiers: ClinVar variation 735001 (VCV000735001.32), dbSNP rs144017858, ClinGen allele CA4361202.

ClinVar aggregate classification (germline): Benign/Likely benign. Review status: criteria provided, multiple submitters, no conflicts (2 of 4 stars). 4 submissions from 4 submitters: Benign (2); Likely benign (2). Last evaluated 2026-01-31.

Allele frequency attached by ClinVar (database versions not stated): gnomAD exomes 0.00021 and 0.00044; ExAC 0.00054; gnomAD 0.00172 and 0.00186; 1000 Genomes Project 0.00180; TOPMed 0.00189; ESP Exome Variant Server 0.00200; 1000 Genomes Project 30x 0.00203.
gnomAD v4.1: 593 of 1,613,508 alleles (0.037%); highest among the groups gnomAD compares: African/African-American, 0.68%; 4 homozygotes.

Submissions (4):

Labcorp Genetics (formerly Invitae), Labcorp
Classification: Benign. Last evaluated: 2026-01-31. Review status: criteria provided, single submitter. Criteria: Invitae Variant Classification Sherloc (09022015). Collection method: clinical testing. Allele origin: germline.

Blueprint Genetics
Classification: Likely benign. Last evaluated: 2024-10-31. Review status: criteria provided, single submitter. Criteria: ACMG Guidelines, 2015. Collection method: clinical testing. Allele origin: germline.

CeGaT Center for Human Genetics Tuebingen
Classification: Likely benign. Last evaluated: 2024-08-01. Review status: criteria provided, single submitter. Criteria: CeGaT Center For Human Genetics Tuebingen Variant Classification Criteria Version 2. Collection method: clinical testing. Allele origin: germline. Affected: yes. Observed: 2 variant alleles.
Comment: TRRAP: BP4, BP7

Breakthrough Genomics
Classification: Benign. Review status: criteria provided, single submitter. Criteria: ACMG Guidelines, 2015. Collection method: not provided. Allele origin: germline. Inheritance: Autosomal dominant inheritance. Affected: yes.